The following is an entry in ClinVar:

NM_025074.7(FRAS1):c.2495A>T (p.Asn832Ile)

Gene: FRAS1 (Fraser extracellular matrix complex subunit 1; plus strand). Cytogenetic location: 4q21.21.
Variant type: single nucleotide variant.
Coding change: c.2495A>T on transcript NM_025074.7 (MANE Select); coding-DNA position 2495, A replaced by T.
Protein change: p.Asn832Ile; replaces asparagine 832 with isoleucine.
Molecular consequence: missense variant.
Genome position (GRCh38, 1-based): chr4:78,363,585, A>T. VCF-style: chr4-78363585-A-T. GRCh37 (hg19) VCF-style: chr4-79284739-A-T.
Other names: c.2495A>T, p.Asn832Ile (NM_001166133.2); c.2495A>T (NM_025074.6); short protein forms N832I.
Identifiers: ClinVar variation 2161996 (VCV002161996.2), dbSNP rs1364165490, ClinGen allele CA357371719.
Genomic context (GRCh38, chr4:78,363,585, plus strand): 5'-TGTGCCAGCACTGTGCAGCTGATCTCCACAACACTGGGAGCATCTGCCTCAGGTGCCAGA[A>T]TGCCCACTACCTGCTGCTCGGGGACCACTGTGTTCCTGACTGCCCTTCAGGATACTATGC-3'
Protein context (NP_079350.5, residues 822-842): NTGSICLRCQ[Asn832Ile]AHYLLLGDHC

ClinVar aggregate classification (germline): Uncertain significance. Review status: criteria provided, multiple submitters, no conflicts (2 of 4 stars). 2 submissions from 2 submitters: Uncertain significance (2). Last evaluated 2026-05-27.

Conditions:
Inborn genetic diseases. Identifiers: MedGen C0950123, MeSH D030342.

Allele frequency attached by ClinVar (database versions not stated): gnomAD exomes below 0.00001.
gnomAD v4.1: 5 of 1,612,400 alleles (0.00031%); highest among the groups gnomAD compares: Non-Finnish European, 0.00042%; no homozygotes.

Submissions (2):

Ambry Genetics
Classification: Uncertain significance for Inborn genetic diseases. Last evaluated: 2026-05-27. Review status: criteria provided, single submitter. Criteria: Ambry Variant Classification Scheme 2023. Collection method: clinical testing. Allele origin: germline.

Labcorp Genetics (formerly Invitae), Labcorp
Classification: Uncertain significance. Last evaluated: 2022-06-17. Review status: criteria provided, single submitter. Criteria: Invitae Variant Classification Sherloc (09022015). Collection method: clinical testing. Allele origin: germline.
Comment: This sequence change replaces asparagine, which is neutral and polar, with isoleucine, which is neutral and non-polar, at codon 832 of the FRAS1 protein (p.Asn832Ile). This variant is present in population databases (no rsID available, gnomAD 0.0009%). This variant has not been reported in the literature in individuals affected with FRAS1-related conditions. Algorithms developed to predict the effect of missense changes on protein structure and function are either unavailable or do not agree on the potential impact of this missense change (SIFT: "Deleterious"; PolyPhen-2: "Benign"; Align-GVGD: "Class C0"). In summary, the available evidence is currently insufficient to determine the role of this variant in disease. Therefore, it has been classified as a Variant of Uncertain Significance.